The following is an entry in ClinVar:

NC_000023.10:g.(?_31187540)_(31382270_?)dup

Gene: DMD (dystrophin; minus strand). Cytogenetic location: Xp21.2.
Variant type: Duplication.
Identifiers: ClinVar variation 1523951 (VCV001523951.1).

ClinVar aggregate classification (germline): Likely pathogenic (1 of 4 stars; one submission).

Conditions:
Duchenne muscular dystrophy (DMD). Also called: MUSCULAR DYSTROPHY, PSEUDOHYPERTROPHIC PROGRESSIVE, DUCHENNE TYPE; Duchenne Muscular Dystrophy (DMD). Identifiers: Orphanet 98896, MedGen C0013264, MONDO:0010679, OMIM 310200.

Submission:

Labcorp Genetics (formerly Invitae), Labcorp
Classification: Likely pathogenic for Duchenne muscular dystrophy. Last evaluated: 2021-10-29. Review status: criteria provided, single submitter. Criteria: Invitae Variant Classification Sherloc (09022015). Collection method: clinical testing. Allele origin: germline.
Comment: This variant results in a copy number gain of the genomic region encompassing exon(s) 61-74 of the DMD gene. While the exact position of this variant cannot be determined from the data, sub-genic copy number gains are generally in tandem (PMID: 25640679). This variant is predicted to be out-of-frame, and may result in an absent or disrupted protein product. Loss-of-function variants in DMD are known to be pathogenic (PMID: 16770791, 25007885). A similar copy number variant has been observed in individual(s) with clinical features of DMD-related dystrophinopathies (Invitae). In summary, the currently available evidence indicates that the variant is pathogenic, but additional data are needed to prove that conclusively. Therefore, this variant has been classified as Likely Pathogenic.

Literature cited by the submitters: PubMed 25640679; PubMed 16770791; PubMed 25007885.